The following is an entry in ClinVar:

NM_004655.4(AXIN2):c.*5T>G

Gene: AXIN2 (axin 2; minus strand). Cytogenetic location: 17q24.1.
Variant type: single nucleotide variant.
Coding change: c.*5T>G on transcript NM_004655.4 (MANE Select); 5 bases downstream of the stop codon, T replaced by G.
Molecular consequence: 3 prime UTR variant.
Genome position (GRCh38, 1-based): chr17:65,529,971, A>C on the plus strand (T>G on the coding strand, the complement: AXIN2 is on the minus strand). VCF-style: chr17-65529971-A-C. GRCh37 (hg19) VCF-style: chr17-63526089-A-C.
Other names: c.*5T>G (LRG_296t1, NM_001363813.1).
Identifiers: ClinVar variation 382317 (VCV000382317.4), dbSNP rs548196685, ClinGen allele CA8718272.

ClinVar aggregate classification (germline): Benign/Likely benign. Review status: criteria provided, multiple submitters, no conflicts (2 of 4 stars). 4 submissions from 4 submitters: Benign (3); Likely benign (1). Last evaluated 2026-05-06.

Conditions:
AXIN2-related disorder.
Oligodontia-cancer predisposition syndrome. Also called: TOOTH AGENESIS-COLORECTAL CANCER SYNDROME. Identifiers: Orphanet 300576, MedGen C1837750, MONDO:0012075, OMIM 608615. Disease mechanism: loss of function.

Allele frequency attached by ClinVar (database versions not stated): gnomAD 0.00011 and below 0.00001; gnomAD exomes 0.00017 and 0.00038; TOPMed 0.00001; 1000 Genomes Project 30x 0.00047; ExAC 0.00049; 1000 Genomes Project 0.00060.
gnomAD v4.1: 257 of 1,614,198 alleles (0.016%); highest among the groups gnomAD compares: South Asian, 0.28%; 7 homozygotes.

Submissions (4):

PreventionGenetics, part of Exact Sciences
Classification: Benign for AXIN2-related condition. Last evaluated: 2026-05-06. Review status: criteria provided, single submitter. Criteria: ACMG Guidelines, 2015. Collection method: clinical testing. Allele origin: germline.
Comment: This variant is classified as benign based on ACMG/AMP sequence variant interpretation guidelines (Richards et al. 2015 PMID: 25741868, with internal and published modifications).

Quest Diagnostics Nichols Institute San Juan Capistrano
Classification: Benign. Last evaluated: 2025-05-28. Review status: criteria provided, single submitter. Criteria: Quest Diagnostics criteria. Collection method: clinical testing. Allele origin: unknown.

Myriad Genetics, Inc.
Classification: Benign for Oligodontia-cancer predisposition syndrome. Last evaluated: 2024-09-25. Review status: criteria provided, single submitter. Criteria: Myriad Autosomal Dominant, Autosomal Recessive and X-Linked Classification Criteria (2023). Collection method: clinical testing. Allele origin: unknown.
Comment: This variant is considered benign. This variant occurs in the non-coding 3' untranslated region of the gene, and is not expected to impact protein function.

GeneDx
Classification: Likely benign. Last evaluated: 2015-12-17. Review status: criteria provided, single submitter. Criteria: GeneDx Variant Classification (06012015). Collection method: clinical testing. Allele origin: germline. Affected: yes.
Comment: This variant is considered likely benign or benign based on one or more of the following criteria: it is a conservative change, it occurs at a poorly conserved position in the protein, it is predicted to be benign by multiple in silico algorithms, and/or has population frequency not consistent with disease.